The following is an entry in ClinVar:

NM_001271938.2(MEGF8):c.6688G>A (p.Gly2230Ser)

Gene: MEGF8 (multiple EGF like domains 8; plus strand). Cytogenetic location: 19q13.2.
Variant type: single nucleotide variant.
Coding change: c.6688G>A on transcript NM_001271938.2 (MANE Select); coding-DNA position 6688, G replaced by A.
Protein change: p.Gly2230Ser; replaces glycine 2230 with serine.
Molecular consequence: missense variant.
Genome position (GRCh38, 1-based): chr19:42,369,577, G>A. VCF-style: chr19-42369577-G-A. GRCh37 (hg19) VCF-style: chr19-42873729-G-A.
Other names: c.6487G>A, p.Gly2163Ser (NM_001410.3); short protein forms G2163S, G2230S.
Identifiers: ClinVar variation 1710369 (VCV001710369.3), dbSNP rs2039656542, ClinGen allele CA406134947.
Genomic context (GRCh38, chr19:42,369,577, plus strand): 5'-CTTTGCCCCTGCAGCATGACAGGGCTGTGCCGCCCTGTGTGCGCCCAGGGCTGCGTGAAC[G>A]GCTCATGTGTGGAGCCCGACCACTGCCGCTGCCACTTTGGCTTTGTGGGCCGCAACTGCT-3'
Protein context (NP_001258867.1, residues 2220-2240): RPVCAQGCVN[Gly2230Ser]SCVEPDHCRC

ClinVar aggregate classification (germline): Uncertain significance (1 of 4 stars; one submission).

Allele frequency attached by ClinVar (database versions not stated): TOPMed below 0.00001; gnomAD 0.00001.
gnomAD v4.1: 2 of 1,611,822 alleles (0.00012%); highest among the groups gnomAD compares: African/African-American, 0.0013%; no homozygotes.

Submission:

Greenwood Genetic Center Diagnostic Laboratories, Greenwood Genetic Center
Classification: Uncertain significance. Last evaluated: 2022-08-24. Review status: criteria provided, single submitter. Criteria: ACMG Guidelines, 2015. Collection method: clinical testing. Allele origin: germline. Affected: yes.
Comment: Gene of Uncertain Significance